The following is an entry in ClinVar:

ClinVar aggregate classification (germline): Uncertain significance (1 of 4 stars; one submission).

Submission:

Ambry Genetics
Classification: Uncertain significance. Last evaluated: 2025-03-27. Review status: criteria provided, single submitter. Criteria: Ambry Variant Classification Scheme 2023. Collection method: clinical testing. Allele origin: germline.
Comment: The c.957+2T>A intronic variant results from a T to A substitution two nucleotides after coding exon 8 in the RAD51B gene. This nucleotide position is highly conserved in available vertebrate species. In silico splice site analysis predicts that this alteration will weaken the native splice donor site. The evidence for this gene-disease relationship is limited; therefore, the clinical significance of this alteration is unclear.

NM_133510.4(RAD51B):c.957+2T>A

Gene: RAD51B (RAD51 paralog B; plus strand). Cytogenetic location: 14q24.1.
Variant type: single nucleotide variant.
Coding change: c.957+2T>A on transcript NM_133510.4 (MANE Select); the canonical splice donor site of the intron after coding-DNA position 957, T replaced by A.
Molecular consequence: splice donor variant.
Genome position (GRCh38, 1-based): chr14:68,411,529, T>A. VCF-style: chr14-68411529-T-A. GRCh37 (hg19) VCF-style: chr14-68878246-T-A.
Other names: c.957+2T>A (NM_001321818.2, NM_001321809.2, NM_001321821.2 and 6 more transcripts); c.600+2T>A (NM_001321817.2); c.843+2T>A (NM_001321815.1).
Identifiers: ClinVar variation 3942264 (VCV003942264.1).